The following is an entry in ClinVar:

NM_000051.4(ATM):c.8016C>T (p.Asp2672=)

Genes: ATM (ATM serine/threonine kinase; plus strand), C11orf65 (chromosome 11 open reading frame 65; minus strand). Cytogenetic location: 11q22.3.
Variant type: single nucleotide variant.
Coding change: c.8016C>T on transcript NM_000051.4 (MANE Select); coding-DNA position 8016, C replaced by T.
Protein change: p.Asp2672=; no amino-acid change (aspartic acid 2672 retained).
Molecular consequence: synonymous variant. On other transcripts: intron variant (2).
Genome position (GRCh38, 1-based): chr11:108,334,974, C>T. VCF-style: chr11-108334974-C-T. GRCh37 (hg19) VCF-style: chr11-108205701-C-T.
Other names: c.8016C>T, p.Asp2672= (NM_001351834.2); c.641-25903G>A (NM_001330368.2); c.*38+246G>A (NM_001351110.2).
Identifiers: ClinVar variation 827396 (VCV000827396.14), dbSNP rs1591191019, ClinGen allele CA476677610.
Genomic context (GRCh38, chr11:108,334,974, plus strand): 5'-TTAAGTGCAAATAGTGTATCTGACCTATTATCAATCATGTTTATACTTTTATTAGGTGGA[C>T]CACACAGGAGAATATGGAAATCTGGTGACTATACAGTCATTTAAAGCAGAATTTCGCTTA-3'
Protein context (NP_000042.3, residues 2662-2682): VVVPTMEIKV[Asp2672=]HTGEYGNLVT

ClinVar aggregate classification (germline): Benign/Likely benign. Review status: criteria provided, multiple submitters, no conflicts (2 of 4 stars). 3 submissions from 3 submitters: Benign (1); Likely benign (2). Last evaluated 2024-06-18.

Conditions:
Hereditary cancer-predisposing syndrome. Also called: Tumor predisposition; Neoplastic Syndromes, Hereditary; Hereditary Cancer Syndrome; Hereditary neoplastic syndrome. Identifiers: Orphanet 140162, MedGen C0027672, MeSH D009386, MONDO:0015356.
Familial cancer of breast. Also called: Hereditary breast cancer; BREAST CANCER, FAMILIAL; hereditary breast carcinoma. Identifiers: Orphanet 227535, MedGen C0346153, MONDO:0016419, OMIM 114480. Disease mechanism: loss of function.
Ataxia-telangiectasia syndrome (AT). Also called: ATAXIA-TELANGIECTASIA, COMPLEMENTATION GROUP A; ATAXIA-TELANGIECTASIA, FRESNO VARIANT; Ataxia-telangiectasia; Ataxia-telangiectasia, complementation group D; AT, COMPLEMENTATION GROUP C; Ataxia-telangiectasia, complementation group E. Identifiers: Orphanet 100, MedGen C0004135, MONDO:0008840, OMIM 208900.

Submissions (3):

Myriad Genetics, Inc.
Classification: Benign for Familial cancer of breast. Last evaluated: 2024-06-18. Review status: criteria provided, single submitter. Criteria: Myriad Autosomal Dominant, Autosomal Recessive and X-Linked Classification Criteria (2023). Collection method: clinical testing. Allele origin: unknown.
Comment: This variant is considered benign. This variant is a silent/synonymous amino acid change and it is not expected to impact splicing.

Labcorp Genetics (formerly Invitae), Labcorp
Classification: Likely benign for Ataxia-telangiectasia syndrome. Last evaluated: 2022-01-21. Review status: criteria provided, single submitter. Criteria: Invitae Variant Classification Sherloc (09022015). Collection method: clinical testing. Allele origin: germline.

Ambry Genetics
Classification: Likely benign for Hereditary cancer-predisposing syndrome. Last evaluated: 2018-10-31. Review status: criteria provided, single submitter. Criteria: Ambry Variant Classification Scheme 2023. Collection method: clinical testing. Allele origin: germline.